The following is an entry in ClinVar:

NM_005477.3(HCN4):c.88G>A (p.Glu30Lys)

Gene: HCN4 (hyperpolarization activated cyclic nucleotide gated potassium channel 4; minus strand). Cytogenetic location: 15q24.1.
Variant type: single nucleotide variant.
Coding change: c.88G>A on transcript NM_005477.3 (MANE Select); coding-DNA position 88, G replaced by A.
Protein change: p.Glu30Lys; replaces glutamic acid 30 with lysine.
Molecular consequence: missense variant.
Genome position (GRCh38, 1-based): chr15:73,368,183, C>T on the plus strand (G>A on the coding strand, the complement: HCN4 is on the minus strand). VCF-style: chr15-73368183-C-T. GRCh37 (hg19) VCF-style: chr15-73660524-C-T.
Other names: short protein forms E30K.
Identifiers: ClinVar variation 190777 (VCV000190777.13), dbSNP rs786205802, ClinGen allele CA301954.

ClinVar aggregate classification (germline): Uncertain significance. Review status: criteria provided, multiple submitters, no conflicts (2 of 4 stars). 2 submissions from 2 submitters: Uncertain significance (2). Last evaluated 2025-11-25.

Conditions:
Cardiovascular phenotype. Identifiers: MedGen CN230736.
Brugada syndrome 8 (BRGDA8). Identifiers: Orphanet 130, MedGen C2751083, MONDO:0013148, OMIM 613123.

Allele frequency attached by ClinVar (database versions not stated): gnomAD exomes 0.00002.
gnomAD v4.1: 4 of 1,533,680 alleles (0.00026%); highest among the groups gnomAD compares: Non-Finnish European, 0.00035%; no homozygotes.

Submissions (2):

Labcorp Genetics (formerly Invitae), Labcorp
Classification: Uncertain significance for Brugada syndrome 8. Last evaluated: 2025-11-25. Review status: criteria provided, single submitter. Criteria: Invitae Variant Classification Sherloc (09022015). Collection method: clinical testing. Allele origin: germline.
Comment: This sequence change replaces glutamic acid, which is acidic and polar, with lysine, which is basic and polar, at codon 30 of the HCN4 protein (p.Glu30Lys). The frequency data for this variant in the population databases is considered unreliable, as metrics indicate poor data quality at this position in the gnomAD database. This variant has not been reported in the literature in individuals affected with HCN4-related conditions. ClinVar contains an entry for this variant (Variation ID: 190777). Invitae Evidence Modeling of protein sequence and biophysical properties (such as structural, functional, and spatial information, amino acid conservation, physicochemical variation, residue mobility, and thermodynamic stability) indicates that this missense variant is not expected to disrupt HCN4 protein function with a negative predictive value of 95%. In summary, the available evidence is currently insufficient to determine the role of this variant in disease. Therefore, it has been classified as a Variant of Uncertain Significance.

Ambry Genetics
Classification: Uncertain significance for Cardiovascular phenotype. Last evaluated: 2024-12-23. Review status: criteria provided, single submitter. Criteria: Ambry Variant Classification Scheme 2023. Collection method: clinical testing. Allele origin: germline.
Comment: The p.E30K variant (also known as c.88G>A), located in coding exon 1 of the HCN4 gene, results from a G to A substitution at nucleotide position 88. The glutamic acid at codon 30 is replaced by lysine, an amino acid with similar properties. This amino acid position is well conserved in available vertebrate species. In addition, the in silico prediction for this alteration is inconclusive. Based on the available evidence, the clinical significance of this variant remains unclear.